The following is an entry in ClinVar:

ClinVar aggregate classification (germline): Likely benign (1 of 4 stars; one submission).

Submission:

CeGaT Center for Human Genetics Tuebingen
Classification: Likely benign. Last evaluated: 2026-07-01. Review status: criteria provided, single submitter. Criteria: CeGaT Center For Human Genetics Tuebingen Variant Classification Criteria Version 2. Collection method: clinical testing. Allele origin: germline. Affected: yes. Observed: 1 variant allele.
Comment: ITPR1: PM2:Supporting, BP4, BP7

NM_001378452.1(ITPR1):c.8007T>C (p.Ser2669=)

Gene: ITPR1 (inositol 1,4,5-trisphosphate receptor type 1; plus strand). Cytogenetic location: 3p26.1.
Variant type: single nucleotide variant.
Coding change: c.8007T>C on transcript NM_001378452.1 (MANE Select); coding-DNA position 8007, T replaced by C.
Protein change: p.Ser2669=; no amino-acid change (serine 2669 retained).
Molecular consequence: synonymous variant.
Genome position (GRCh38, 1-based): chr3:4,818,221, T>C. VCF-style: chr3-4818221-T-C. GRCh37 (hg19) VCF-style: chr3-4859905-T-C.
Other names: c.7863T>C, p.Ser2621= (NM_001099952.4); c.7962T>C, p.Ser2654= (NM_001168272.2); c.7818T>C, p.Ser2606= (NM_002222.7).
Identifiers: ClinVar variation 5040174 (VCV005040174.1).